The following is an entry in ClinVar:

NM_017780.4(CHD7):c.1493G>A (p.Gly498Asp)

Gene: CHD7 (chromodomain helicase DNA binding protein 7; plus strand). Cytogenetic location: 8q12.2.
Variant type: single nucleotide variant.
Coding change: c.1493G>A on transcript NM_017780.4 (MANE Select); coding-DNA position 1493, G replaced by A.
Protein change: p.Gly498Asp; replaces glycine 498 with aspartic acid.
Molecular consequence: missense variant.
Genome position (GRCh38, 1-based): chr8:60,742,925, G>A. VCF-style: chr8-60742925-G-A. GRCh37 (hg19) VCF-style: chr8-61655484-G-A.
Other names: c.1493G>A, p.Gly498Asp (NM_001316690.1); short protein forms G498D.
Identifiers: ClinVar variation 1306110 (VCV001306110.5), dbSNP rs547298242, ClinGen allele CA4759501.

ClinVar aggregate classification (germline): Conflicting classifications of pathogenicity. Review status: criteria provided, conflicting classifications (1 of 4 stars). 3 submissions from 3 submitters: Uncertain significance (2); Likely benign (1). Last evaluated 2024-11-25.

Conditions:
Hypogonadotropic hypogonadism 5 with or without anosmia (KAL5). Also called: HYPOGONADOTROPIC HYPOGONADISM 5 WITH ANOSMIA; CHD7-Related GnRH Deficiency (Kallmann Syndrome 5); HYPOGONADOTROPHIC HYPOGONADISM 5 WITHOUT ANOSMIA. Identifiers: Orphanet 478, MedGen C3552553, MONDO:0012880, OMIM 612370. Disease mechanism: loss of function.
CHARGE syndrome (CHARGE). Also called: Hittner Hirsch Kreh syndrome; CHARGE ASSOCIATION--COLOBOMA, HEART ANOMALY, CHOANAL ATRESIA, RETARDATION, GENITAL AND EAR ANOMALIES; Coloboma, heart anomaly, choanal atresia, retardation, genital and ear anomalies; CHARGE association; Hall-Hittner syndrome. Identifiers: Orphanet 138, MedGen C0265354, MONDO:0008965.

Allele frequency attached by ClinVar (database versions not stated): gnomAD exomes below 0.00001 and 0.00001; ExAC 0.00001; gnomAD 0.00001; TOPMed 0.00001; 1000 Genomes Project 30x 0.00016; 1000 Genomes Project 0.00020.
gnomAD v4.1: 6 of 1,613,006 alleles (0.00037%); highest among the groups gnomAD compares: Non-Finnish European, 0.00051%; no homozygotes.

Submissions (3):

Labcorp Genetics (formerly Invitae), Labcorp
Classification: Likely benign for CHARGE syndrome. Last evaluated: 2024-11-25. Review status: criteria provided, single submitter. Criteria: Invitae Variant Classification Sherloc (09022015). Collection method: clinical testing. Allele origin: germline.

Fulgent Genetics
Classification: Uncertain significance for CHD7-related CHARGE syndrome; Hypogonadotropic hypogonadism 5 with or without anosmia. Last evaluated: 2022-05-14. Review status: criteria provided, single submitter. Criteria: ACMG Guidelines, 2015. Collection method: clinical testing. Allele origin: unknown.

GeneDx
Classification: Uncertain significance. Last evaluated: 2019-06-14. Review status: criteria provided, single submitter. Criteria: GeneDx Variant Classification Process June 2021. Collection method: clinical testing. Allele origin: germline. Affected: yes.
Comment: Not observed at a significant frequency in large population cohorts (Lek et al., 2016); In silico analysis, which includes protein predictors and evolutionary conservation, supports that this variant does not alter protein structure/function; Has not been previously published as pathogenic or benign to our knowledge